The following is an entry in ClinVar:

ClinVar aggregate classification (germline): Uncertain significance. Review status: criteria provided, multiple submitters, no conflicts (2 of 4 stars). 2 submissions from 2 submitters: Uncertain significance (2). Last evaluated 2023-12-28.

Conditions:
Left ventricular noncompaction 8 (LVNC8). Identifiers: Orphanet 154, Orphanet 54260, MedGen C3809288, MONDO:0014152, OMIM 615373.
Inborn genetic diseases. Identifiers: MedGen C0950123, MeSH D030342.

Allele frequency attached by ClinVar (database versions not stated): TOPMed 0.00002.

Submissions (2):

Ambry Genetics
Classification: Uncertain significance for Inborn genetic diseases. Last evaluated: 2023-12-28. Review status: criteria provided, single submitter. Criteria: Ambry Variant Classification Scheme 2023. Collection method: clinical testing. Allele origin: germline.

Labcorp Genetics (formerly Invitae), Labcorp
Classification: Uncertain significance for Left ventricular noncompaction 8. Last evaluated: 2019-01-30. Review status: criteria provided, single submitter. Criteria: Invitae Variant Classification Sherloc (09022015). Collection method: clinical testing. Allele origin: germline.
Comment: This variant is not present in population databases (ExAC no frequency). This sequence change replaces leucine with proline at codon 132 of the PRDM16 protein (p.Leu132Pro). The leucine residue is moderately conserved and there is a moderate physicochemical difference between leucine and proline. This variant has not been reported in the literature in individuals with PRDM16-related conditions. Algorithms developed to predict the effect of missense changes on protein structure and function are either unavailable or do not agree on the potential impact of this missense change (SIFT: "Deleterious"; PolyPhen-2: "Benign"; Align-GVGD: "Class C0"). In summary, the available evidence is currently insufficient to determine the role of this variant in disease. Therefore, it has been classified as a Variant of Uncertain Significance.

NM_022114.4(PRDM16):c.395T>C (p.Leu132Pro)

Gene: PRDM16 (PR/SET domain 16; plus strand). Cytogenetic location: 1p36.32.
Variant type: single nucleotide variant.
Coding change: c.395T>C on transcript NM_022114.4 (MANE Select); coding-DNA position 395, T replaced by C.
Protein change: p.Leu132Pro; replaces leucine 132 with proline.
Molecular consequence: missense variant.
Genome position (GRCh38, 1-based): chr1:3,244,094, T>C. VCF-style: chr1-3244094-T-C. GRCh37 (hg19) VCF-style: chr1-3160658-T-C.
Other names: c.395T>C, p.Leu132Pro (NM_199454.3); short protein forms L132P.
Identifiers: ClinVar variation 859159 (VCV000859159.10), dbSNP rs1639733506, ClinGen allele CA338216033.